The following is an entry in ClinVar:

NM_001171.6(ABCC6):c.1312G>A (p.Val438Met)

Gene: ABCC6 (ATP binding cassette subfamily C member 6; minus strand). Cytogenetic location: 16p13.11.
Variant type: single nucleotide variant.
Coding change: c.1312G>A on transcript NM_001171.6 (MANE Select); coding-DNA position 1312, G replaced by A.
Protein change: p.Val438Met; replaces valine 438 with methionine.
Molecular consequence: missense variant. On other transcripts: non-coding transcript variant (1).
Genome position (GRCh38, 1-based): chr16:16,198,047, C>T on the plus strand (G>A on the coding strand, the complement: ABCC6 is on the minus strand). VCF-style: chr16-16198047-C-T. GRCh37 (hg19) VCF-style: chr16-16291904-C-T.
Other names: c.970G>A, p.Val324Met (NM_001351800.1); short protein forms V324M, V438M.
Identifiers: ClinVar variation 713707 (VCV000713707.14), dbSNP rs542502733, ClinGen allele CA7926371.
Genomic context (GRCh38, chr16:16,198,047, plus strand): 5'-TCCGTTCAAATCCCGTCTTCCTCCTCTGGCATACCTGCCAGAGATAGACGAAGCAGACCA[C>T]GATCCAGACGAGAGGCAGCCACAGCCCGTTGAGGTAGAGGACGCTCTCGGTCAGCCGCTG-3'
Protein context (NP_001162.5, residues 428-448): NGLWLPLVWI[Val438Met]VCFVYLWQLL

ClinVar aggregate classification (germline): Likely benign. Review status: criteria provided, multiple submitters, no conflicts (2 of 4 stars). 4 submissions from 4 submitters: Likely benign (4). Last evaluated 2026-01-04.

Conditions:
ABCC6-related disorder. Also called: ABCC6-related condition.
Autosomal recessive inherited pseudoxanthoma elasticum (PXE). Identifiers: Orphanet 758, MedGen CN032334, MONDO:0009925, OMIM 264800.
Pseudoxanthoma elasticum, forme fruste. Also called: Pseudoxanthoma Elasticum, Incomplete; PSEUDOXANTHOMA ELASTICUM, HETEROZYGOUS. Identifiers: Orphanet 758, MedGen C1867450, MONDO:0008333, OMIM 177850.
Arterial calcification, generalized, of infancy, 2. Identifiers: Orphanet 51608, MedGen C3276161, MONDO:0013768, OMIM 614473.

Allele frequency attached by ClinVar (database versions not stated): TOPMed 0.00011; gnomAD exomes 0.00014 and 0.00033; gnomAD 0.00016 and 0.00021; ExAC 0.00033; 1000 Genomes Project 30x 0.00047; 1000 Genomes Project 0.00060.
gnomAD v4.1: 242 of 1,614,160 alleles (0.015%); highest among the groups gnomAD compares: East Asian, 0.46%; 3 homozygotes.

Submissions (4):

Labcorp Genetics (formerly Invitae), Labcorp
Classification: Likely benign. Last evaluated: 2026-01-04. Review status: criteria provided, single submitter. Criteria: Invitae Variant Classification Sherloc (09022015). Collection method: clinical testing. Allele origin: germline.

PreventionGenetics, part of Exact Sciences
Classification: Likely benign for ABCC6-related condition. Last evaluated: 2025-03-06. Review status: criteria provided, single submitter. Criteria: ACMG Guidelines, 2015. Collection method: clinical testing. Allele origin: germline.
Comment: This variant is classified as likely benign based on ACMG/AMP sequence variant interpretation guidelines (Richards et al. 2015 PMID: 25741868, with internal and published modifications).

Blueprint Genetics
Classification: Likely benign. Last evaluated: 2024-01-11. Review status: criteria provided, single submitter. Criteria: ACMG Guidelines, 2015. Collection method: clinical testing. Allele origin: germline.

Fulgent Genetics
Classification: Likely benign for Pseudoxanthoma elasticum, forme fruste; Autosomal recessive inherited pseudoxanthoma elasticum; Arterial calcification, generalized, of infancy, 2. Last evaluated: 2021-10-04. Review status: criteria provided, single submitter. Criteria: ACMG Guidelines, 2015. Collection method: clinical testing. Allele origin: unknown.